The following is an entry in ClinVar:

ClinVar aggregate classification (germline): Conflicting classifications of pathogenicity. Review status: criteria provided, conflicting classifications (1 of 4 stars). 2 submissions from 2 submitters: Uncertain significance (1); Likely benign (1). Last evaluated 2023-07-27.

Allele frequency attached by ClinVar (database versions not stated): ExAC 0.00003.
gnomAD v4.1: 20 of 1,614,060 alleles (0.0012%); highest among the groups gnomAD compares: Admixed American, 0.0033%; no homozygotes.

Submissions (2):

GeneDx
Classification: Uncertain significance. Last evaluated: 2023-07-27. Review status: criteria provided, single submitter. Criteria: GeneDx Variant Classification Process June 2021. Collection method: clinical testing. Allele origin: germline. Affected: yes.
Comment: In silico analysis supports that this missense variant does not alter protein structure/function; Has not been previously published as pathogenic or benign to our knowledge

Blueprint Genetics
Classification: Likely benign. Last evaluated: 2021-08-09. Review status: criteria provided, single submitter. Criteria: ACMG Guidelines, 2015. Collection method: clinical testing. Allele origin: germline.

NM_001127453.2(GSDME):c.815C>T (p.Ala272Val)

Gene: GSDME (gasdermin E; minus strand). Cytogenetic location: 7p15.3.
Variant type: single nucleotide variant.
Coding change: c.815C>T on transcript NM_001127453.2 (MANE Select); coding-DNA position 815, C replaced by T.
Protein change: p.Ala272Val; replaces alanine 272 with valine.
Molecular consequence: missense variant.
Genome position (GRCh38, 1-based): chr7:24,710,271, G>A on the plus strand (C>T on the coding strand, the complement: GSDME is on the minus strand). VCF-style: chr7-24710271-G-A. GRCh37 (hg19) VCF-style: chr7-24749890-G-A.
Other names: c.323C>T, p.Ala108Val (NM_001127454.2); c.815C>T, p.Ala272Val (NM_004403.3); short protein forms A108V, A272V.
Identifiers: ClinVar variation 2443519 (VCV002443519.3), dbSNP rs771163879, ClinGen allele CA4191555.